The following is an entry in ClinVar:

ClinVar aggregate classification (germline): Uncertain significance (1 of 4 stars; one submission).

Submission:

Labcorp Genetics (formerly Invitae), Labcorp
Classification: Uncertain significance. Last evaluated: 2025-05-14. Review status: criteria provided, single submitter. Criteria: Invitae Variant Classification Sherloc (09022015). Collection method: clinical testing. Allele origin: germline.
Comment: This sequence change replaces phenylalanine, which is neutral and non-polar, with valine, which is neutral and non-polar, at codon 471 of the ALPK3 protein (p.Phe471Val). This variant is not present in population databases (gnomAD no frequency). This variant has not been reported in the literature in individuals affected with ALPK3-related conditions. Invitae Evidence Modeling of protein sequence and biophysical properties (such as structural, functional, and spatial information, amino acid conservation, physicochemical variation, residue mobility, and thermodynamic stability) indicates that this missense variant is expected to disrupt ALPK3 protein function with a positive predictive value of 80%. In summary, the available evidence is currently insufficient to determine the role of this variant in disease. Therefore, it has been classified as a Variant of Uncertain Significance.

NM_020778.5(ALPK3):c.805T>G (p.Phe269Val)

Gene: ALPK3 (alpha kinase 3; plus strand). Cytogenetic location: 15q25.3.
Variant type: single nucleotide variant.
Coding change: c.805T>G on transcript NM_020778.5 (MANE Select); coding-DNA position 805, T replaced by G.
Protein change: p.Phe269Val; replaces phenylalanine 269 with valine.
Molecular consequence: missense variant.
Genome position (GRCh38, 1-based): chr15:84,840,084, T>G. VCF-style: chr15-84840084-T-G. GRCh37 (hg19) VCF-style: chr15-85383315-T-G.
Other names: short protein forms F269V.
Identifiers: ClinVar variation 4798493 (VCV004798493.1).
Genomic context (GRCh38, chr15:84,840,084, plus strand): 5'-GCTTGGCAGGAGGGAGAGACTGAGACTGCTCAGCACTCAGGTTTGGGCCTGATCAACAGT[T>G]TTGCTTCTGGAGAAGTGACCACCAACGGGGAGGCTGCCCCCGAGAATGGAGAGGACGGAG-3'
Protein context (NP_065829.4, residues 259-279): QHSGLGLINS[Phe269Val]ASGEVTTNGE